The following is an entry in ClinVar:

ClinVar aggregate classification (germline): Uncertain significance. Review status: criteria provided, multiple submitters, no conflicts (2 of 4 stars). 2 submissions from 2 submitters: Uncertain significance (2). Last evaluated 2024-11-25.

Allele frequency attached by ClinVar (database versions not stated): TOPMed below 0.00001; gnomAD 0.00001; gnomAD exomes 0.00002; ExAC 0.00004.
gnomAD v4.1: 22 of 1,608,446 alleles (0.0014%); highest among the groups gnomAD compares: Middle Eastern, 0.021%; 1 homozygote.

Submissions (2):

Blueprint Genetics
Classification: Uncertain significance. Last evaluated: 2024-11-25. Review status: criteria provided, single submitter. Criteria: ACMG Guidelines, 2015. Collection method: clinical testing. Allele origin: germline.

Labcorp Genetics (formerly Invitae), Labcorp
Classification: Uncertain significance. Last evaluated: 2021-08-24. Review status: criteria provided, single submitter. Criteria: Invitae Variant Classification Sherloc (09022015). Collection method: clinical testing. Allele origin: germline.
Comment: This sequence change replaces arginine with tryptophan at codon 1563 of the KIAA1549 protein (p.Arg1563Trp). The arginine residue is highly conserved and there is a moderate physicochemical difference between arginine and tryptophan. This variant is present in population databases (rs770572143, ExAC 0.02%). This variant has not been reported in the literature in individuals affected with KIAA1549-related conditions. Algorithms developed to predict the effect of missense changes on protein structure and function (SIFT, PolyPhen-2, Align-GVGD) all suggest that this variant is likely to be disruptive. In summary, the available evidence is currently insufficient to determine the role of this variant in disease. Therefore, it has been classified as a Variant of Uncertain Significance.

NM_001164665.2(KIAA1549):c.4687C>T (p.Arg1563Trp)

Gene: KIAA1549 (KIAA1549; minus strand). Cytogenetic location: 7q34.
Variant type: single nucleotide variant.
Coding change: c.4687C>T on transcript NM_001164665.2 (MANE Select); coding-DNA position 4687, C replaced by T.
Protein change: p.Arg1563Trp; replaces arginine 1563 with tryptophan.
Molecular consequence: missense variant.
Genome position (GRCh38, 1-based): chr7:138,869,626, G>A on the plus strand (C>T on the coding strand, the complement: KIAA1549 is on the minus strand). VCF-style: chr7-138869626-G-A. GRCh37 (hg19) VCF-style: chr7-138554372-G-A.
Other names: c.4687C>T, p.Arg1563Trp (NM_020910.3); short protein forms R1563W.
Identifiers: ClinVar variation 1008387 (VCV001008387.7), dbSNP rs770572143, ClinGen allele CA4505796.